The following is an entry in ClinVar:

ClinVar aggregate classification (germline): Likely pathogenic (1 of 4 stars; one submission).

Conditions:
Hypotonia, infantile, with psychomotor retardation and characteristic facies 2 (IHPRF2). Also called: UNC80 Deficiency. Identifiers: Orphanet 371364, Orphanet 700333, MedGen C4225203, MONDO:0014777, OMIM 616801.

Submission:

Pittsburgh Clinical Genomics Laboratory, University of Pittsburgh Medical Center
Classification: Likely pathogenic for Hypotonia, infantile, with psychomotor retardation and characteristic facies 2. Last evaluated: 2024-03-07. Review status: criteria provided, single submitter. Criteria: ACMG Guidelines, 2015. Collection method: clinical testing. Allele origin: germline. Inheritance: Autosomal recessive inheritance. Affected: yes.
Comment: This sequence variant is a single nucleotide substitution (C>A) at position 3203 of the coding sequence of the UNC80 gene that changes codon 1068 to an early termination codon. As it occurs in exon 19 of 64, this variant is predicted to generate a non-functional allele through either the expression of a truncated protein or a loss of UNC80 expression due to nonsense-mediated decay. This novel, de novo variant is absent from ClinVar, publications, and the gnomAD v4.0.0 population database (0/~1551000 alleles). Loss of function variants of UNC80 are known to be associated with disease (PMID: 26708753). Based upon the evidence, we consider this variant to be likely pathogenic. ACMG Criteria: PM2, PVS1

Literature cited by the submitters: PubMed 26708753.

NM_001371986.1(UNC80):c.3203C>A (p.Ser1068Ter)

Gene: UNC80 (unc-80 subunit of NALCN channel complex; plus strand). Cytogenetic location: 2q34.
Variant type: single nucleotide variant.
Coding change: c.3203C>A on transcript NM_001371986.1 (MANE Select); coding-DNA position 3203, C replaced by A.
Protein change: p.Ser1068Ter; replaces serine 1068 with a stop codon.
Molecular consequence: nonsense.
Genome position (GRCh38, 1-based): chr2:209,839,383, C>A. VCF-style: chr2-209839383-C-A. GRCh37 (hg19) VCF-style: chr2-210704107-C-A.
Other names: c.3203C>A, p.Ser1068Ter (NM_032504.2); c.3188C>A, p.Ser1063Ter (NM_182587.4); short protein forms S1063*, S1068*.
Identifiers: ClinVar variation 3376416 (VCV003376416.1).